The following is an entry in ClinVar:

ClinVar aggregate classification (germline): Uncertain significance (1 of 4 stars; one submission).

Conditions:
Charcot-Marie-Tooth disease type 4. Also called: Charcot-Marie-Tooth disease, type IV; Charcot-Marie-Tooth, Type 4. Identifiers: Orphanet 64749, MedGen C4082197, MONDO:0018995.

Allele frequency attached by ClinVar (database versions not stated): gnomAD exomes below 0.00001.
gnomAD v4.1: 1 of 1,613,814 alleles (0.000062%); highest among the groups gnomAD compares: Non-Finnish European, 0.000085%; no homozygotes.

Submission:

Labcorp Genetics (formerly Invitae), Labcorp
Classification: Uncertain significance for Charcot-Marie-Tooth disease type 4. Last evaluated: 2022-10-25. Review status: criteria provided, single submitter. Criteria: Invitae Variant Classification Sherloc (09022015). Collection method: clinical testing. Allele origin: germline.
Comment: In summary, the available evidence is currently insufficient to determine the role of this variant in disease. Therefore, it has been classified as a Variant of Uncertain Significance. Advanced modeling of protein sequence and biophysical properties (such as structural, functional, and spatial information, amino acid conservation, physicochemical variation, residue mobility, and thermodynamic stability) performed at Invitae indicates that this missense variant is not expected to disrupt PRX protein function. ClinVar contains an entry for this variant (Variation ID: 648042). This variant has not been reported in the literature in individuals affected with PRX-related conditions. This variant is present in population databases (no rsID available, gnomAD 0.0009%). This sequence change replaces isoleucine, which is neutral and non-polar, with phenylalanine, which is neutral and non-polar, at codon 993 of the PRX protein (p.Ile993Phe).

NM_181882.3(PRX):c.2977A>T (p.Ile993Phe)

Gene: PRX (periaxin; minus strand). Cytogenetic location: 19q13.2.
Variant type: single nucleotide variant.
Coding change: c.2977A>T on transcript NM_181882.3 (MANE Select); coding-DNA position 2977, A replaced by T.
Protein change: p.Ile993Phe; replaces isoleucine 993 with phenylalanine.
Molecular consequence: missense variant. On other transcripts: 3 prime UTR variant (1).
Genome position (GRCh38, 1-based): chr19:40,395,375, T>A on the plus strand (A>T on the coding strand, the complement: PRX is on the minus strand). VCF-style: chr19-40395375-T-A. GRCh37 (hg19) VCF-style: chr19-40901282-T-A.
Other names: c.*3182A>T (NM_020956.2); short protein forms I993F.
Identifiers: ClinVar variation 648042 (VCV000648042.8), dbSNP rs1234629496, ClinGen allele CA405895210.
Genomic context (GRCh38, chr19:40,395,375, plus strand): 5'-CGGCCCCTGCCACCTCTACCTTGCCTGAGGGCAGGTGGGCATCCAGGCTGAGCTGTGGGA[T>A]GGACAGATCGAGGGCAGGCAGCAGGCCTGCCTCCCCAGCCCCTTTGGCCTCAGCCTCAGC-3'
Protein context (NP_870998.2, residues 983-1003): AGLLPALDLS[Ile993Phe]PQLSLDAHLP